The following is an entry in ClinVar:

ClinVar aggregate classification (germline): Uncertain significance (1 of 4 stars; one submission).

Conditions:
Inborn genetic diseases. Identifiers: MedGen C0950123, MeSH D030342.

Submission:

Ambry Genetics
Classification: Uncertain significance for Inborn genetic diseases. Last evaluated: 2024-12-14. Review status: criteria provided, single submitter. Criteria: Ambry Variant Classification Scheme 2023. Collection method: clinical testing. Allele origin: germline.
Comment: The p.S691F variant (also known as c.2072C>T), located in coding exon 20 of the ANKRD26 gene, results from a C to T substitution at nucleotide position 2072. The serine at codon 691 is replaced by phenylalanine, an amino acid with highly dissimilar properties. This amino acid position is conserved. In addition, this alteration is predicted to be tolerated by in silico analysis. Based on the available evidence, the clinical significance of this variant remains unclear.

NM_014915.3(ANKRD26):c.2072C>T (p.Ser691Phe)

Gene: ANKRD26 (ankyrin repeat domain containing 26; minus strand). Cytogenetic location: 10p12.1.
Variant type: single nucleotide variant.
Coding change: c.2072C>T on transcript NM_014915.3 (MANE Select); coding-DNA position 2072, C replaced by T.
Protein change: p.Ser691Phe; replaces serine 691 with phenylalanine.
Molecular consequence: missense variant.
Genome position (GRCh38, 1-based): chr10:27,043,515, G>A on the plus strand (C>T on the coding strand, the complement: ANKRD26 is on the minus strand). VCF-style: chr10-27043515-G-A. GRCh37 (hg19) VCF-style: chr10-27332444-G-A.
Other names: c.2069C>T, p.Ser690Phe (NM_001256053.2); short protein forms S690F, S691F.
Identifiers: ClinVar variation 3869256 (VCV003869256.1).
Genomic context (GRCh38, chr10:27,043,515, plus strand): 5'-AGCAACATAAAATTCTTGTAACTAGAGTGGGGTAGCTCACAATCCTCTGAGGCTGTTTCA[G>A]ATGACTGAGTTAAGTCATCAACATCATCCATAGACTGTATTTGGTTTTTGACCTATGAAA-3'
Protein context (NP_055730.2, residues 681-701): MDDVDDLTQS[Ser691Phe]ETASEDCELP